The following is an entry in ClinVar:

NM_002834.5(PTPN11):c.701G>A (p.Ser234Asn)

Gene: PTPN11 (protein tyrosine phosphatase non-receptor type 11; plus strand). Cytogenetic location: 12q24.13.
Variant type: single nucleotide variant.
Coding change: c.701G>A on transcript NM_002834.5 (MANE Select); coding-DNA position 701, G replaced by A.
Protein change: p.Ser234Asn; replaces serine 234 with asparagine.
Molecular consequence: missense variant.
Genome position (GRCh38, 1-based): chr12:112,456,008, G>A. VCF-style: chr12-112456008-G-A. GRCh37 (hg19) VCF-style: chr12-112893812-G-A.
Other names: p.S234N:AGC>AAC; c.701G>A, p.Ser234Asn (NM_001330437.2, NM_080601.3); c.698G>A, p.Ser233Asn (NM_001374625.1); short protein forms S234N, S233N.
Identifiers: ClinVar variation 181765 (VCV000181765.3), dbSNP rs730881220, ClinGen allele CA297645.
Genomic context (GRCh38, chr12:112,456,008, plus strand): 5'-AGCCCCTTAACACGACTCGTATAAATGCTGCTGAAATAGAAAGCAGAGTTCGAGAACTAA[G>A]CAAATTAGCTGAGACCACAGATAAAGTCAAACAAGGCTTTTGGGAAGAATTTGAGGTAAG-3'
Protein context (NP_002825.3, residues 224-244): AEIESRVREL[Ser234Asn]KLAETTDKVK

ClinVar aggregate classification (germline): Uncertain significance. Review status: criteria provided, multiple submitters, no conflicts (2 of 4 stars). 2 submissions from 2 submitters: Uncertain significance (2). Last evaluated 2025-05-31.

Conditions:
Cardiovascular phenotype. Identifiers: MedGen CN230736.

Submissions (2):

Ambry Genetics
Classification: Uncertain significance for Cardiovascular phenotype. Last evaluated: 2025-05-31. Review status: criteria provided, single submitter. Criteria: Ambry Variant Classification Scheme 2023. Collection method: clinical testing. Allele origin: germline.
Comment: The p.S234N variant (also known as c.701G>A), located in coding exon 6 of the PTPN11 gene, results from a G to A substitution at nucleotide position 701. The serine at codon 234 is replaced by asparagine, an amino acid with highly similar properties. This amino acid position is conserved. In addition, the in silico prediction for this alteration is inconclusive. Based on the available evidence, the clinical significance of this variant remains unclear.

GeneDx
Classification: Uncertain significance. Last evaluated: 2014-10-10. Review status: criteria provided, single submitter. Criteria: GeneDx Variant Classification (06012015). Collection method: clinical testing. Allele origin: germline. Affected: yes.
Comment: The S234N variant has not been published as a mutation, nor has it been reported as a benign polymorphism to our knowledge. It was not observed in approximately 6,400 individuals of European and African American ancestry in the NHLBI Exome Sequencing Project, indicating it is not a common benign variant in these populations. The S234N missense change in the PTPN11 gene is a conservative amino acid substitution in that a neutral, polar Serine residue is replaced with a neutral, polar Asparagine residue. This substitution occurs at a position that is highly conserved in mammals, and in silico analysis predicts this variant is probably damaging to the protein structure/function. However, it is not within any known functional domain, and no other definitive mutations have been reported in nearby codons. Therefore, based on the currently available information, it is unclear whether this variant is a pathogenic mutation or a rare benign variant. The variant is found in NOONAN panel(s).